The following is an entry in ClinVar:

NM_139321.3(ATRN):c.402C>T (p.Gly134=)

Gene: ATRN (attractin; plus strand). Cytogenetic location: 20p13.
Variant type: single nucleotide variant.
Coding change: c.402C>T on transcript NM_139321.3 (MANE Select); coding-DNA position 402, C replaced by T.
Protein change: p.Gly134=; no amino-acid change (glycine 134 retained).
Molecular consequence: synonymous variant. On other transcripts: intron variant (1).
Genome position (GRCh38, 1-based): chr20:3,471,509, C>T. VCF-style: chr20-3471509-C-T. GRCh37 (hg19) VCF-style: chr20-3452156-C-T.
Other names: c.402C>T, p.Gly134= (NM_001323332.2, NM_139322.4); c.62+375C>T (NM_001207047.3).
Identifiers: ClinVar variation 3052390 (VCV003052390.2), dbSNP rs777336042, ClinGen allele CA9743788.

ClinVar aggregate classification (germline): Likely benign (0 of 4 stars; one submission).

Conditions:
ATRN-related disorder. Also called: ATRN-related condition.

Allele frequency attached by ClinVar (database versions not stated): gnomAD 0.00001; TOPMed 0.00001; gnomAD exomes 0.00003.
gnomAD v4.1: 37 of 1,402,402 alleles (0.0026%); highest among the groups gnomAD compares: Middle Eastern, 0.02%; no homozygotes.

Submission:

PreventionGenetics, part of Exact Sciences
Classification: Likely benign for ATRN-related condition. Last evaluated: 2019-09-05. Review status: no assertion criteria provided. Collection method: clinical testing. Allele origin: germline.
Comment: This variant is classified as likely benign based on ACMG/AMP sequence variant interpretation guidelines (Richards et al. 2015 PMID: 25741868, with internal and published modifications).